The following is an entry in ClinVar:

ClinVar aggregate classification (germline): Uncertain significance (1 of 4 stars; one submission).

Submission:

Greenwood Genetic Center Diagnostic Laboratories, Greenwood Genetic Center
Classification: Uncertain significance. Last evaluated: 2024-03-18. Review status: criteria provided, single submitter. Criteria: ACMG Guidelines, 2015. Collection method: clinical testing. Allele origin: germline. Affected: yes.
Comment: PM2

NM_006662.3(SRCAP):c.7712G>T (p.Ser2571Ile)

Gene: SRCAP (Snf2 related CREBBP activator protein; plus strand). Cytogenetic location: 16p11.2.
Variant type: single nucleotide variant.
Coding change: c.7712G>T on transcript NM_006662.3 (MANE Select); coding-DNA position 7712, G replaced by T.
Protein change: p.Ser2571Ile; replaces serine 2571 with isoleucine.
Molecular consequence: missense variant.
Genome position (GRCh38, 1-based): chr16:30,737,752, G>T. VCF-style: chr16-30737752-G-T. GRCh37 (hg19) VCF-style: chr16-30749073-G-T.
Other names: short protein forms S2571I.
Identifiers: ClinVar variation 3235800 (VCV003235800.1), dbSNP rs2053175217, ClinGen allele CA395634251.
Genomic context (GRCh38, chr16:30,737,752, plus strand): 5'-CAGAGCTGTGTGCCCAGGCATTGGCATCTCCAGAGTCCCTGGAGCTGGCTTCTGTGGCCA[G>T]TTCAGAAACCTCCTCACTTTCTCTTGTGCCCCCTAAAGATCTGTTGCCAGTTGCTGTGGA-3'
Protein context (NP_006653.2, residues 2561-2581): PESLELASVA[Ser2571Ile]SETSSLSLVP